The following is an entry in ClinVar:

NM_025243.4(SLC19A3):c.1172+196A>T

Gene: SLC19A3 (solute carrier family 19 member 3; minus strand). Cytogenetic location: 2q36.3.
Variant type: single nucleotide variant.
Coding change: c.1172+196A>T on transcript NM_025243.4 (MANE Select); 196 bases into the intron after coding-DNA position 1172, A replaced by T.
Molecular consequence: intron variant.
Genome position (GRCh38, 1-based): chr2:227,695,693, T>A on the plus strand (A>T on the coding strand, the complement: SLC19A3 is on the minus strand). VCF-style: chr2-227695693-T-A. GRCh37 (hg19) VCF-style: chr2-228560409-T-A.
Identifiers: ClinVar variation 673774 (VCV000673774.1), dbSNP rs79988924, ClinGen allele CA66658755.

ClinVar aggregate classification (germline): Benign (1 of 4 stars; one submission).

Allele frequency attached by ClinVar (database versions not stated): gnomAD exomes 0.00477; gnomAD 0.04245 and 0.04585; TOPMed 0.04681; 1000 Genomes Project 0.04832; 1000 Genomes Project 30x 0.05387.
gnomAD v4.1: 8,782 of 607,780 alleles (1.4%); highest among the groups gnomAD compares: African/African-American, 14%; 582 homozygotes.

Submission:

GeneDx
Classification: Benign. Last evaluated: 2018-06-16. Review status: criteria provided, single submitter. Criteria: GeneDx Variant Classification (06012015). Collection method: clinical testing. Allele origin: germline. Affected: yes.
Comment: This variant is considered likely benign or benign based on one or more of the following criteria: it is a conservative change, it occurs at a poorly conserved position in the protein, it is predicted to be benign by multiple in silico algorithms, and/or has population frequency not consistent with disease.